The following is an entry in ClinVar:

ClinVar aggregate classification (germline): Uncertain significance (1 of 4 stars; one submission).

Submission:

GeneDx
Classification: Uncertain significance. Last evaluated: 2025-06-09. Review status: criteria provided, single submitter. Criteria: GeneDx Variant Classification Process June 2021. Collection method: clinical testing. Allele origin: germline. Affected: yes.
Comment: Not observed at significant frequency in large population cohorts (gnomAD); In silico analysis suggests that this missense variant does not alter protein structure/function; Has not been previously published as pathogenic or benign to our knowledge

NM_031844.3(HNRNPU):c.1021A>G (p.Thr341Ala)

Gene: HNRNPU (heterogeneous nuclear ribonucleoprotein U; minus strand). Cytogenetic location: 1q44.
Variant type: single nucleotide variant.
Coding change: c.1021A>G on transcript NM_031844.3 (MANE Select); coding-DNA position 1021, A replaced by G.
Protein change: p.Thr341Ala; replaces threonine 341 with alanine.
Molecular consequence: missense variant.
Genome position (GRCh38, 1-based): chr1:244,859,371, T>C on the plus strand (A>G on the coding strand, the complement: HNRNPU is on the minus strand). VCF-style: chr1-244859371-T-C. GRCh37 (hg19) VCF-style: chr1-245022673-T-C.
Other names: c.964A>G, p.Thr322Ala (NM_004501.3); short protein forms T322A, T341A.
Identifiers: ClinVar variation 4537942 (VCV004537942.1).
Genomic context (GRCh38, chr1:244,859,371, plus strand): 5'-TACGAACTTCATGTATGTCAATATCTTTTGTATATAAATGCCTTACTGGGATCTTCTCTG[T>C]AACCTGAAAGTCAAATCATTAAATAATTAAAATAATACACCAAGGAGGTAACCCCTTAAC-3'
Protein context (NP_114032.2, residues 331-351): KGKVCFEMKV[Thr341Ala]EKIPVRHLYT